The following is an entry in ClinVar:

ClinVar aggregate classification (germline): Conflicting classifications of pathogenicity. Review status: criteria provided, conflicting classifications (1 of 4 stars). 3 submissions from 3 submitters: Uncertain significance (1); Likely benign (1). 1 of the submissions does not count toward it. Last evaluated 2024-03-14.

Conditions:
Primary ciliary dyskinesia. Also called: Ciliary dyskinesia. Identifiers: Orphanet 244, MedGen C0008780, MONDO:0016575, HP:0012265.

Allele frequency attached by ClinVar (database versions not stated): ExAC 0.00001; gnomAD exomes 0.00002; ESP Exome Variant Server 0.00008; gnomAD 0.00011; TOPMed 0.00017.
gnomAD v4.1: 40 of 1,614,082 alleles (0.0025%); highest among the groups gnomAD compares: African/African-American, 0.041%; no homozygotes.

Submissions (3):

Labcorp Genetics (formerly Invitae), Labcorp
Classification: Likely benign for Primary ciliary dyskinesia. Last evaluated: 2024-03-14. Review status: criteria provided, single submitter. Criteria: Invitae Variant Classification Sherloc (09022015). Collection method: clinical testing. Allele origin: germline.

Ambry Genetics
Classification: Uncertain significance for Primary ciliary dyskinesia. Last evaluated: 2016-01-07. Review status: criteria provided, single submitter. Criteria: Ambry Variant Classification Scheme 2023. Collection method: clinical testing. Allele origin: germline.
Comment: The p.F3362I variant (also known as c.10084T>A), located in coding exon 59 of the DNAH5 gene, results from a T to A substitution at nucleotide position 10084. The phenylalanine at codon 3362 is replaced by isoleucine, an amino acid with highly similar properties. This variant was previously reported in the SNPDatabase as rs373406041. Based on data from the NHLBI Exome Sequencing Project (ESP), the A allele has an overall frequency of approximately 0.01% (1/13006) total alleles studied, having been observed in 0.02% (1/4406) African American alleles. This amino acid position is highly conserved in available vertebrate species. In addition, this alteration is predicted to be deleterious by in silico analysis. Since supporting evidence is limited at this time, the clinical significance of this variant remains unclear.

Natera, Inc.
Classification: Uncertain significance for Primary ciliary dyskinesia. Last evaluated: 2020-01-28. Review status: no assertion criteria provided. Collection method: clinical testing. Allele origin: germline. Not counted in ClinVar's aggregate classification.

NM_001369.3(DNAH5):c.10084T>A (p.Phe3362Ile)

Gene: DNAH5 (dynein axonemal heavy chain 5; minus strand). Cytogenetic location: 5p15.2.
Variant type: single nucleotide variant.
Coding change: c.10084T>A on transcript NM_001369.3 (MANE Select); coding-DNA position 10084, T replaced by A.
Protein change: p.Phe3362Ile; replaces phenylalanine 3362 with isoleucine.
Molecular consequence: missense variant.
Genome position (GRCh38, 1-based): chr5:13,765,993, A>T on the plus strand (T>A on the coding strand, the complement: DNAH5 is on the minus strand). VCF-style: chr5-13765993-A-T. GRCh37 (hg19) VCF-style: chr5-13766102-A-T.
Other names: short protein forms F3362I.
Identifiers: ClinVar variation 645397 (VCV000645397.12), dbSNP rs373406041, ClinGen allele CA3202335.